The following is an entry in ClinVar:

NM_002905.5(RDH5):c.887A>G (p.Tyr296Cys)

Genes: BLOC1S1-RDH5 (BLOC1S1-RDH5 readthrough; plus strand), CD63 (CD63 molecule; minus strand), RDH5 (retinol dehydrogenase 5; plus strand). Cytogenetic location: 12q13.2.
Variant type: single nucleotide variant.
Coding change: c.887A>G on transcript NM_002905.5 (MANE Select); coding-DNA position 887, A replaced by G.
Protein change: p.Tyr296Cys; replaces tyrosine 296 with cysteine.
Molecular consequence: missense variant. On other transcripts: non-coding transcript variant (1), 3 prime UTR variant (2).
Genome position (GRCh38, 1-based): chr12:55,724,475, A>G. VCF-style: chr12-55724475-A-G. GRCh37 (hg19) VCF-style: chr12-56118259-A-G.
Other names: c.887A>G, p.Tyr296Cys (NM_001199771.3); c.*589T>C (NM_001413284.1); c.*604T>C (NM_001413285.1); short protein forms Y296C.
Identifiers: ClinVar variation 2743144 (VCV002743144.3), dbSNP rs1592525444, ClinGen allele CA385203735.

ClinVar aggregate classification (germline): Uncertain significance (1 of 4 stars; one submission).

Submission:

Labcorp Genetics (formerly Invitae), Labcorp
Classification: Uncertain significance. Last evaluated: 2023-07-13. Review status: criteria provided, single submitter. Criteria: Invitae Variant Classification Sherloc (09022015). Collection method: clinical testing. Allele origin: germline.
Comment: In summary, the available evidence is currently insufficient to determine the role of this variant in disease. Therefore, it has been classified as a Variant of Uncertain Significance. Advanced modeling of protein sequence and biophysical properties (such as structural, functional, and spatial information, amino acid conservation, physicochemical variation, residue mobility, and thermodynamic stability) performed at Invitae indicates that this missense variant is expected to disrupt RDH5 protein function. This variant has not been reported in the literature in individuals affected with RDH5-related conditions. This variant is not present in population databases (gnomAD no frequency). This sequence change replaces tyrosine, which is neutral and polar, with cysteine, which is neutral and slightly polar, at codon 296 of the RDH5 protein (p.Tyr296Cys).